The following is an entry in ClinVar:

ClinVar aggregate classification (germline): Likely benign (1 of 4 stars; one submission).

Submission:

CeGaT Center for Human Genetics Tuebingen
Classification: Likely benign. Last evaluated: 2025-11-01. Review status: criteria provided, single submitter. Criteria: CeGaT Center For Human Genetics Tuebingen Variant Classification Criteria Version 2. Collection method: clinical testing. Allele origin: germline. Affected: yes. Observed: 1 variant allele.
Comment: PPP1R21: PM2:Supporting, BP4, BP7

NM_001135629.3(PPP1R21):c.604T>C (p.Leu202=)

Gene: PPP1R21 (protein phosphatase 1 regulatory subunit 21; plus strand). Cytogenetic location: 2p16.3.
Variant type: single nucleotide variant.
Coding change: c.604T>C on transcript NM_001135629.3 (MANE Select); coding-DNA position 604, T replaced by C.
Protein change: p.Leu202=; no amino-acid change (leucine 202 retained).
Molecular consequence: synonymous variant. On other transcripts: non-coding transcript variant (1).
Genome position (GRCh38, 1-based): chr2:48,461,142, T>C. VCF-style: chr2-48461142-T-C. GRCh37 (hg19) VCF-style: chr2-48688281-T-C.
Other names: c.604T>C, p.Leu202= (NM_001193475.2, NM_152994.5).
Identifiers: ClinVar variation 4535211 (VCV004535211.6).